The following is an entry in ClinVar:

NM_001031689.3(PLAA):c.1324A>G (p.Met442Val)

Gene: PLAA (phospholipase A2 activating protein; minus strand). Cytogenetic location: 9p21.2.
Variant type: single nucleotide variant.
Coding change: c.1324A>G on transcript NM_001031689.3 (MANE Select); coding-DNA position 1324, A replaced by G.
Protein change: p.Met442Val; replaces methionine 442 with valine.
Molecular consequence: missense variant.
Genome position (GRCh38, 1-based): chr9:26,919,403, T>C on the plus strand (A>G on the coding strand, the complement: PLAA is on the minus strand). VCF-style: chr9-26919403-T-C. GRCh37 (hg19) VCF-style: chr9-26919401-T-C.
Other names: c.1324A>G, p.Met442Val (NM_001321546.2); c.1324A>G (NM_001031689.2); short protein forms M442V.
Identifiers: ClinVar variation 1992151 (VCV001992151.2), dbSNP rs751605997, ClinGen allele CA5014416.

ClinVar aggregate classification (germline): Uncertain significance. Review status: criteria provided, multiple submitters, no conflicts (2 of 4 stars). 2 submissions from 2 submitters: Uncertain significance (2). Last evaluated 2024-09-08.

Conditions:
Inborn genetic diseases. Identifiers: MedGen C0950123, MeSH D030342.

Allele frequency attached by ClinVar (database versions not stated): TOPMed 0.00002; gnomAD 0.00003; ExAC 0.00006.
gnomAD v4.1: 30 of 1,612,864 alleles (0.0019%); highest among the groups gnomAD compares: South Asian, 0.013%; no homozygotes.

Submissions (2):

Ambry Genetics
Classification: Uncertain significance for Inborn genetic diseases. Last evaluated: 2024-09-08. Review status: criteria provided, single submitter. Criteria: Ambry Variant Classification Scheme 2023. Collection method: clinical testing. Allele origin: germline.

Labcorp Genetics (formerly Invitae), Labcorp
Classification: Uncertain significance. Last evaluated: 2022-04-17. Review status: criteria provided, single submitter. Criteria: Invitae Variant Classification Sherloc (09022015). Collection method: clinical testing. Allele origin: germline.
Comment: This sequence change replaces methionine, which is neutral and non-polar, with valine, which is neutral and non-polar, at codon 442 of the PLAA protein (p.Met442Val). This variant is present in population databases (rs751605997, gnomAD 0.01%). This variant has not been reported in the literature in individuals affected with PLAA-related conditions. Algorithms developed to predict the effect of missense changes on protein structure and function (SIFT, PolyPhen-2, Align-GVGD) all suggest that this variant is likely to be tolerated. In summary, the available evidence is currently insufficient to determine the role of this variant in disease. Therefore, it has been classified as a Variant of Uncertain Significance.